The following is an entry in ClinVar:

ClinVar aggregate classification (germline): Likely benign. Review status: criteria provided, multiple submitters, no conflicts (2 of 4 stars). 3 submissions from 3 submitters: Likely benign (3). Last evaluated 2025-11-28.

Allele frequency attached by ClinVar (database versions not stated): TOPMed 0.00006; gnomAD 0.00009 and 0.00010.
gnomAD v4.1: 68 of 1,613,786 alleles (0.0042%); highest among the groups gnomAD compares: Non-Finnish European, 0.0056%; no homozygotes.

Submissions (3):

Labcorp Genetics (formerly Invitae), Labcorp
Classification: Likely benign. Last evaluated: 2025-11-28. Review status: criteria provided, single submitter. Criteria: Invitae Variant Classification Sherloc (09022015). Collection method: clinical testing. Allele origin: germline.

Blueprint Genetics
Classification: Likely benign. Last evaluated: 2024-04-22. Review status: criteria provided, single submitter. Criteria: ACMG Guidelines, 2015. Collection method: clinical testing. Allele origin: germline.

CeGaT Center for Human Genetics Tuebingen
Classification: Likely benign. Last evaluated: 2022-09-01. Review status: criteria provided, single submitter. Criteria: CeGaT Center For Human Genetics Tuebingen Variant Classification Criteria Version 2. Collection method: clinical testing. Allele origin: germline. Affected: yes. Observed: 1 variant allele.
Comment: MPDZ: BP4, BP7

NM_001378778.1(MPDZ):c.4146A>C (p.Pro1382=)

Gene: MPDZ (multiple PDZ domain crumbs cell polarity complex component; minus strand). Cytogenetic location: 9p23.
Variant type: single nucleotide variant.
Coding change: c.4146A>C on transcript NM_001378778.1 (MANE Select); coding-DNA position 4146, A replaced by C.
Protein change: p.Pro1382=; no amino-acid change (proline 1382 retained).
Molecular consequence: synonymous variant.
Genome position (GRCh38, 1-based): chr9:13,138,011, T>G on the plus strand (A>C on the coding strand, the complement: MPDZ is on the minus strand). VCF-style: chr9-13138011-T-G. GRCh37 (hg19) VCF-style: chr9-13138010-T-G.
Other names: c.4047A>C, p.Pro1349= (NM_001261406.2, NM_001261407.2, NM_001375416.1 and 3 more transcripts); c.4146A>C, p.Pro1382= (NM_001330637.2, NM_001375413.1, NM_003829.5); c.3936A>C, p.Pro1312= (NM_001375420.1, NM_001375421.1, NM_001375422.1 and 4 more transcripts); c.3738A>C, p.Pro1246= (NM_001375427.1).
Identifiers: ClinVar variation 1647735 (VCV001647735.33), dbSNP rs762053312, ClinGen allele CA4986824.